The following is an entry in ClinVar:

NM_001378452.1(ITPR1):c.6538A>G (p.Ser2180Gly)

Gene: ITPR1 (inositol 1,4,5-trisphosphate receptor type 1; plus strand). Cytogenetic location: 3p26.1.
Variant type: single nucleotide variant.
Coding change: c.6538A>G on transcript NM_001378452.1 (MANE Select); coding-DNA position 6538, A replaced by G.
Protein change: p.Ser2180Gly; replaces serine 2180 with glycine.
Molecular consequence: missense variant.
Genome position (GRCh38, 1-based): chr3:4,783,843, A>G. VCF-style: chr3-4783843-A-G. GRCh37 (hg19) VCF-style: chr3-4825527-A-G.
Other names: c.6394A>G, p.Ser2132Gly (NM_001099952.4); c.6493A>G, p.Ser2165Gly (NM_001168272.2); c.6349A>G, p.Ser2117Gly (NM_002222.7); short protein forms S2117G, S2165G, S2132G, S2180G.
Identifiers: ClinVar variation 3012550 (VCV003012550.3), dbSNP rs1426471157, ClinGen allele CA351639938.

ClinVar aggregate classification (germline): Uncertain significance (1 of 4 stars; one submission).

Allele frequency attached by ClinVar (database versions not stated): TOPMed below 0.00001; gnomAD 0.00001; gnomAD exomes 0.00001.
gnomAD v4.1: 10 of 1,608,648 alleles (0.00062%); highest among the groups gnomAD compares: Non-Finnish European, 0.00085%; no homozygotes.

Submission:

Labcorp Genetics (formerly Invitae), Labcorp
Classification: Uncertain significance. Last evaluated: 2023-07-03. Review status: criteria provided, single submitter. Criteria: Invitae Variant Classification Sherloc (09022015). Collection method: clinical testing. Allele origin: germline.
Comment: In summary, the available evidence is currently insufficient to determine the role of this variant in disease. Therefore, it has been classified as a Variant of Uncertain Significance. Advanced modeling of protein sequence and biophysical properties (such as structural, functional, and spatial information, amino acid conservation, physicochemical variation, residue mobility, and thermodynamic stability) performed at Invitae indicates that this missense variant is not expected to disrupt ITPR1 protein function. This missense change has been observed in individual(s) with clinical features of ITPR1-related conditions (PMID: 31069529). This variant is not present in population databases (gnomAD no frequency). This sequence change replaces serine, which is neutral and polar, with glycine, which is neutral and non-polar, at codon 2117 of the ITPR1 protein (p.Ser2117Gly).

Literature cited by the submitters: PubMed 31069529.